The following is an entry in ClinVar:

ClinVar aggregate classification (germline): Likely benign (0 of 4 stars; one submission).

Conditions:
SIM1-related disorder. Also called: SIM1-related condition; SIM1-related disorders.

gnomAD v4.1: 1 of 1,613,860 alleles (0.000062%); highest among the groups gnomAD compares: Non-Finnish European, 0.000085%; no homozygotes.

Submission:

PreventionGenetics, part of Exact Sciences
Classification: Likely benign for SIM1-related condition. Last evaluated: 2023-09-27. Review status: no assertion criteria provided. Collection method: clinical testing. Allele origin: germline.
Comment: This variant is classified as likely benign based on ACMG/AMP sequence variant interpretation guidelines (Richards et al. 2015 PMID: 25741868, with internal and published modifications).

NM_005068.3(SIM1):c.778C>T (p.Leu260=)

Gene: SIM1 (SIM bHLH transcription factor 1; minus strand). Cytogenetic location: 6q16.3.
Variant type: single nucleotide variant.
Coding change: c.778C>T on transcript NM_005068.3 (MANE Select); coding-DNA position 778, C replaced by T.
Protein change: p.Leu260=; no amino-acid change (leucine 260 retained).
Molecular consequence: synonymous variant.
Genome position (GRCh38, 1-based): chr6:100,448,218, G>A on the plus strand (C>T on the coding strand, the complement: SIM1 is on the minus strand). VCF-style: chr6-100448218-G-A. GRCh37 (hg19) VCF-style: chr6-100896094-G-A.
Other names: c.778C>T, p.Leu260= (NM_001374769.1).
Identifiers: ClinVar variation 3348913 (VCV003348913.1).